The following is an entry in ClinVar:

ClinVar aggregate classification (germline): Uncertain significance. Review status: criteria provided, multiple submitters, no conflicts (2 of 4 stars). 2 submissions from 2 submitters: Uncertain significance (2). Last evaluated 2025-09-21.

Conditions:
Inborn genetic diseases. Identifiers: MedGen C0950123, MeSH D030342.

Allele frequency attached by ClinVar (database versions not stated): TOPMed 0.00014; ExAC 0.00003; gnomAD 0.00013; 1000 Genomes Project 30x 0.00031; 1000 Genomes Project 0.00040; ESP Exome Variant Server 0.00015; gnomAD exomes 0.00001.
gnomAD v4.1: 33 of 1,614,064 alleles (0.002%); highest among the groups gnomAD compares: African/African-American, 0.041%; no homozygotes.

Submissions (2):

Labcorp Genetics (formerly Invitae), Labcorp
Classification: Uncertain significance. Last evaluated: 2025-09-21. Review status: criteria provided, single submitter. Criteria: Invitae Variant Classification Sherloc (09022015). Collection method: clinical testing. Allele origin: germline.
Comment: This sequence change replaces glycine, which is neutral and non-polar, with arginine, which is basic and polar, at codon 135 of the COCH protein (p.Gly135Arg). This variant is present in population databases (rs28400035, gnomAD 0.05%). This variant has not been reported in the literature in individuals affected with COCH-related conditions. ClinVar contains an entry for this variant (Variation ID: 2359332). Invitae Evidence Modeling of protein sequence and biophysical properties (such as structural, functional, and spatial information, amino acid conservation, physicochemical variation, residue mobility, and thermodynamic stability) has been performed for this missense variant. However, the output from this modeling did not meet the statistical confidence thresholds required to predict the impact of this variant on COCH protein function. In summary, the available evidence is currently insufficient to determine the role of this variant in disease. Therefore, it has been classified as a Variant of Uncertain Significance.

Ambry Genetics
Classification: Uncertain significance for Inborn genetic diseases. Last evaluated: 2021-10-12. Review status: criteria provided, single submitter. Criteria: Ambry Variant Classification Scheme 2023. Collection method: clinical testing. Allele origin: germline.

NM_004086.3(COCH):c.403G>A (p.Gly135Arg)

Genes: COCH (cochlin; plus strand), COCH-AS1 (COCH antisense RNA 1; minus strand). Cytogenetic location: 14q12.
Variant type: single nucleotide variant.
Coding change: c.403G>A on transcript NM_004086.3 (MANE Select); coding-DNA position 403, G replaced by A.
Protein change: p.Gly135Arg; replaces glycine 135 with arginine.
Molecular consequence: missense variant.
Genome position (GRCh38, 1-based): chr14:30,879,452, G>A. VCF-style: chr14-30879452-G-A. GRCh37 (hg19) VCF-style: chr14-31348658-G-A.
Other names: c.403G>A, p.Gly135Arg (NM_001135058.2); c.598G>A, p.Gly200Arg (NM_001347720.2); short protein forms G135R, G200R.
Identifiers: ClinVar variation 2359332 (VCV002359332.5), dbSNP rs28400035, ClinGen allele CA7143027.